The following is an entry in ClinVar:

NM_005530.3(IDH3A):c.550T>C (p.Phe184Leu)

Gene: IDH3A (isocitrate dehydrogenase (NAD(+)) 3 catalytic subunit alpha; plus strand). Cytogenetic location: 15q25.1.
Variant type: single nucleotide variant.
Coding change: c.550T>C on transcript NM_005530.3 (MANE Select); coding-DNA position 550, T replaced by C.
Protein change: p.Phe184Leu; replaces phenylalanine 184 with leucine.
Molecular consequence: missense variant.
Genome position (GRCh38, 1-based): chr15:78,162,306, T>C. VCF-style: chr15-78162306-T-C. GRCh37 (hg19) VCF-style: chr15-78454648-T-C.
Other names: short protein forms F184L.
Identifiers: ClinVar variation 1012081 (VCV001012081.8), dbSNP rs1259883219, ClinGen allele CA393543080.

ClinVar aggregate classification (germline): Uncertain significance. Review status: criteria provided, multiple submitters, no conflicts (2 of 4 stars). 3 submissions from 3 submitters: Uncertain significance (2). 1 of the submissions does not count toward it. Last evaluated 2022-07-29.

Conditions:
Retinal dystrophy. Also called: Inherited retinal dystrophy. Identifiers: Orphanet 71862, MedGen C0854723, MeSH D058499, MONDO:0019118, HP:0000556.

Allele frequency attached by ClinVar (database versions not stated): gnomAD exomes 0.00001; TOPMed 0.00001; gnomAD 0.00003.
gnomAD v4.1: 18 of 1,614,076 alleles (0.0011%); highest among the groups gnomAD compares: Non-Finnish European, 0.0014%; no homozygotes.

Submissions (3):

Blueprint Genetics
Classification: Uncertain significance. Last evaluated: 2022-07-29. Review status: criteria provided, single submitter. Criteria: ACMG Guidelines, 2015. Collection method: clinical testing. Allele origin: germline.

Labcorp Genetics (formerly Invitae), Labcorp
Classification: Uncertain significance. Last evaluated: 2022-01-14. Review status: criteria provided, single submitter. Criteria: Invitae Variant Classification Sherloc (09022015). Collection method: clinical testing. Allele origin: germline.
Comment: This sequence change replaces phenylalanine, which is neutral and non-polar, with leucine, which is neutral and non-polar, at codon 184 of the IDH3A protein (p.Phe184Leu). This variant is present in population databases (no rsID available, gnomAD 0.01%). This variant has not been reported in the literature in individuals affected with IDH3A-related conditions. ClinVar contains an entry for this variant (Variation ID: 1012081). Algorithms developed to predict the effect of missense changes on protein structure and function are either unavailable or do not agree on the potential impact of this missense change (SIFT: "Deleterious"; PolyPhen-2: "Probably Damaging"; Align-GVGD: "Class C15"). In summary, the available evidence is currently insufficient to determine the role of this variant in disease. Therefore, it has been classified as a Variant of Uncertain Significance.

Institute of Human Genetics, Univ. Regensburg, Univ. Regensburg
Classification: Uncertain significance for Retinal dystrophy. Last evaluated: 2022-01-01. Review status: no assertion criteria provided. Criteria: ACMG Guidelines, 2015. Collection method: clinical testing. Allele origin: germline. Affected: yes. Not counted in ClinVar's aggregate classification.